The following is an entry in ClinVar:

NM_001040142.2(SCN2A):c.5590C>T (p.Arg1864Cys)

Gene: SCN2A (sodium voltage-gated channel alpha subunit 2; plus strand). Cytogenetic location: 2q24.3.
Variant type: single nucleotide variant.
Coding change: c.5590C>T on transcript NM_001040142.2 (MANE Select); coding-DNA position 5590, C replaced by T.
Protein change: p.Arg1864Cys; replaces arginine 1864 with cysteine.
Molecular consequence: missense variant.
Genome position (GRCh38, 1-based): chr2:165,389,396, C>T. VCF-style: chr2-165389396-C-T. GRCh37 (hg19) VCF-style: chr2-166245906-C-T.
Other names: c.5590C>T, p.Arg1864Cys (NM_001040143.2, NM_001371246.1, NM_001371247.1 and 1 more transcripts); short protein forms R1864C.
Identifiers: ClinVar variation 5008464 (VCV005008464.1).

ClinVar aggregate classification (germline): Uncertain significance (1 of 4 stars; one submission).

Submission:

GeneDx
Classification: Uncertain significance. Last evaluated: 2026-03-11. Review status: criteria provided, single submitter. Criteria: GeneDx Variant Classification Process June 2021. Collection method: clinical testing. Allele origin: germline.
Comment: Not observed at significant frequency in large population cohorts (gnomAD); In silico analysis supports that this missense variant has a deleterious effect on protein structure/function; Has not been previously published as pathogenic or benign to our knowledge; This substitution is predicted to be within the C-terminal cytoplasmic domain